The following is an entry in ClinVar:

NM_032153.6(ZIC4):c.626C>T (p.Pro209Leu)

Gene: ZIC4 (Zic family zinc finger 4; minus strand). Cytogenetic location: 3q24.
Variant type: single nucleotide variant.
Coding change: c.626C>T on transcript NM_032153.6 (MANE Select); coding-DNA position 626, C replaced by T.
Protein change: p.Pro209Leu; replaces proline 209 with leucine.
Molecular consequence: missense variant. On other transcripts: intron variant (1).
Genome position (GRCh38, 1-based): chr3:147,395,914, G>A on the plus strand (C>T on the coding strand, the complement: ZIC4 is on the minus strand). VCF-style: chr3-147395914-G-A. GRCh37 (hg19) VCF-style: chr3-147113701-G-A.
Other names: c.776C>T, p.Pro259Leu (NM_001168378.1); c.740C>T, p.Pro247Leu (NM_001168379.2); c.71-4668C>T (NM_001243256.2); short protein forms P209L, P259L, P247L.
Identifiers: ClinVar variation 2724608 (VCV002724608.4), dbSNP rs141247469, ClinGen allele CA2656770.

ClinVar aggregate classification (germline): Uncertain significance. Review status: criteria provided, multiple submitters, no conflicts (2 of 4 stars). 2 submissions from 2 submitters: Uncertain significance (2). Last evaluated 2025-08-05.

Allele frequency attached by ClinVar (database versions not stated): gnomAD exomes 0.00003; ExAC 0.00012; gnomAD 0.00023; TOPMed 0.00024; ESP Exome Variant Server 0.00031; 1000 Genomes Project 0.00060; 1000 Genomes Project 30x 0.00062.

Submissions (2):

Ambry Genetics
Classification: Uncertain significance. Last evaluated: 2025-08-05. Review status: criteria provided, single submitter. Criteria: Ambry Variant Classification Scheme 2023. Collection method: clinical testing. Allele origin: germline.

Labcorp Genetics (formerly Invitae), Labcorp
Classification: Uncertain significance. Last evaluated: 2023-09-11. Review status: criteria provided, single submitter. Criteria: Invitae Variant Classification Sherloc (09022015). Collection method: clinical testing. Allele origin: germline.
Comment: This sequence change replaces proline, which is neutral and non-polar, with leucine, which is neutral and non-polar, at codon 259 of the ZIC4 protein (p.Pro259Leu). This variant is present in population databases (rs141247469, gnomAD 0.1%), and has an allele count higher than expected for a pathogenic variant. This variant has not been reported in the literature in individuals affected with ZIC4-related conditions. An algorithm developed to predict the effect of missense changes on protein structure and function (PolyPhen-2) suggests that this variant is likely to be disruptive. In summary, the available evidence is currently insufficient to determine the role of this variant in disease. Therefore, it has been classified as a Variant of Uncertain Significance.